The following is an entry in ClinVar:

NM_006268.5(DPF2):c.1076C>T (p.Pro359Leu)

Gene: DPF2 (double PHD fingers 2; plus strand). Cytogenetic location: 11q13.1.
Variant type: single nucleotide variant.
Coding change: c.1076C>T on transcript NM_006268.5 (MANE Select); coding-DNA position 1076, C replaced by T.
Protein change: p.Pro359Leu; replaces proline 359 with leucine.
Molecular consequence: missense variant.
Genome position (GRCh38, 1-based): chr11:65,348,908, C>T. VCF-style: chr11-65348908-C-T. GRCh37 (hg19) VCF-style: chr11-65116379-C-T.
Other names: c.1118C>T, p.Pro373Leu (NM_001330308.2); short protein forms P359L, P373L.
Identifiers: ClinVar variation 2580734 (VCV002580734.1), dbSNP rs2495413740, ClinGen allele CA381232565.
Genomic context (GRCh38, chr11:65,348,908, plus strand): 5'-AGGACCAGTTGCTCTTCTGTGATGACTGCGATCGTGGCTACCACATGTACTGTCTCACCC[C>T]GTCCATGTCTGAGCCCCCTGAAGGTAAGTTGCCCAGATCTTTTACTCAGAACAATTACTT-3'
Protein context (NP_006259.1, residues 349-369): DRGYHMYCLT[Pro359Leu]SMSEPPEGSW

ClinVar aggregate classification (germline): Uncertain significance (1 of 4 stars; one submission).

Allele frequency attached by ClinVar (database versions not stated): gnomAD exomes below 0.00001.
gnomAD v4.1: 1 of 1,614,176 alleles (0.000062%); highest among the groups gnomAD compares: Non-Finnish European, 0.000085%; no homozygotes.

Submission:

GeneDx
Classification: Uncertain significance. Last evaluated: 2023-03-24. Review status: criteria provided, single submitter. Criteria: GeneDx Variant Classification Process June 2021. Collection method: clinical testing. Allele origin: germline. Affected: yes.
Comment: Not observed at significant frequency in large population cohorts (gnomAD); In silico analysis supports that this missense variant has a deleterious effect on protein structure/function; Has not been previously published as pathogenic or benign to our knowledge